The following is an entry in ClinVar:

NM_004360.5(CDH1):c.164T>G (p.Val55Gly)

Gene: CDH1 (cadherin 1; plus strand). Cytogenetic location: 16q22.1.
Variant type: single nucleotide variant.
Coding change: c.164T>G on transcript NM_004360.5 (MANE Select); coding-DNA position 164, T replaced by G.
Protein change: p.Val55Gly; replaces valine 55 with glycine.
Molecular consequence: missense variant. On other transcripts: 5 prime UTR variant (2).
Genome position (GRCh38, 1-based): chr16:68,801,670, T>G. VCF-style: chr16-68801670-T-G. GRCh37 (hg19) VCF-style: chr16-68835573-T-G.
Other names: NM_004360.5(CDH1):c.164T>G; p.Val55Gly; c.164T>G, p.Val55Gly (NM_001317184.2); c.-1452T>G (NM_001317185.2); c.-1656T>G (NM_001317186.2); c.164T>G (LRG_301t1); short protein forms V55G.
Identifiers: ClinVar variation 132769 (VCV000132769.49), dbSNP rs587778174, ClinGen allele CA157980.

ClinVar aggregate classification (germline): Likely benign. Review status: reviewed by expert panel (3 of 4 stars). 17 submissions from 17 submitters: Likely benign (1). 16 of the submissions do not count toward it. Last evaluated 2023-08-17.

Conditions:
CDH1-related disorder. Also called: CDH1-related condition.
CDH1-related diffuse gastric and lobular breast cancer syndrome. Also called: CDH1-related diffuse gastric and lobular breast cancer. Identifiers: MedGen CN311521, MONDO:0100488.
Breast and/or ovarian cancer. Identifiers: MedGen CN221562.
Hereditary cancer-predisposing syndrome. Also called: Neoplastic Syndromes, Hereditary; Tumor predisposition; Hereditary Cancer Syndrome; Hereditary neoplastic syndrome. Identifiers: Orphanet 140162, MedGen C0027672, MeSH D009386, MONDO:0015356.
Hereditary diffuse gastric adenocarcinoma (HDGC). Also called: DIFFUSE GASTRIC AND LOBULAR BREAST CANCER SYNDROME. Identifiers: Orphanet 26106, MedGen C1708349, MONDO:0007648, OMIM 137215.

Allele frequency attached by ClinVar (database versions not stated): gnomAD 0.00007 and 0.00008; TOPMed 0.00007.
gnomAD v4.1: 171 of 1,612,426 alleles (0.011%); highest among the groups gnomAD compares: Non-Finnish European, 0.014%; no homozygotes.

Submissions (17):

Clingen Gastric Cancer Variant Curation Expert Panel
Classification: Likely benign for CDH1-related diffuse gastric and lobular breast cancer syndrome. Last evaluated: 2023-08-17. Review status: reviewed by expert panel. Criteria: ClinGen CDH1 ACMG Specifications V3.1. Collection method: curation. Allele origin: germline. Inheritance: Autosomal dominant inheritance.
Comment: The c.164T>G (p.Val55Gly) variant has been observed in >10 (113) individuals without a diagnosis of diffuse gastric cancer, signet ring tumor or lobular breast cancer and whose family histories do not suggest HDGC (BS2; SCV000321508.8, SCV000153979.11). In summary, the clinical significance of this variant is classified as likely benign based on BS2 alone, as specified by the CDH1 Variant Curation Expert Panel (Variant Interpretation Guidelines Version 3.1): BS2.

PreventionGenetics, part of Exact Sciences
Classification: Likely benign for CDH1-related condition. Last evaluated: 2026-07-20. Review status: criteria provided, single submitter. Criteria: ACMG Guidelines, 2015. Collection method: clinical testing. Allele origin: germline. Not counted in ClinVar's aggregate classification.
Comment: This variant is classified as likely benign based on ACMG/AMP sequence variant interpretation guidelines (Richards et al. 2015 PMID: 25741868, with internal and published modifications).

Labcorp Genetics (formerly Invitae), Labcorp
Classification: Likely benign for Hereditary diffuse gastric adenocarcinoma. Last evaluated: 2026-01-18. Review status: criteria provided, single submitter. Criteria: Invitae Variant Classification Sherloc (09022015). Collection method: clinical testing. Allele origin: germline. Not counted in ClinVar's aggregate classification.

Center for Genomic Medicine, Rigshospitalet, Copenhagen University Hospital
Classification: Likely benign. Last evaluated: 2025-03-04. Review status: criteria provided, single submitter. Criteria: ACMG Guidelines, 2015. Collection method: clinical testing. Allele origin: germline. Not counted in ClinVar's aggregate classification.

Color Diagnostics, LLC DBA Color Health
Classification: Likely benign for Hereditary cancer-predisposing syndrome. Last evaluated: 2025-02-25. Review status: criteria provided, single submitter. Criteria: ACMG Guidelines, 2015. Collection method: clinical testing. Allele origin: germline. Not counted in ClinVar's aggregate classification.

Women's Health and Genetics/Laboratory Corporation of America, LabCorp
Classification: Likely benign. Last evaluated: 2024-11-25. Review status: criteria provided, single submitter. Criteria: LabCorp Variant Classification Summary - May 2015. Collection method: clinical testing. Allele origin: germline. Not counted in ClinVar's aggregate classification.
Comment: Variant summary: CDH1 c.164T>G (p.Val55Gly) results in a non-conservative amino acid change located in the Cadherin prodomain of the encoded protein sequence. Four of five in-silico tools predict a damaging effect of the variant on protein function. Consensus agreement among computation tools predict no significant impact on normal splicing. Lack of impact on splicing was confirmed by RNA sequencing studies (Karam_2019). The variant allele was found at a frequency of 0.00011 in 1612426 control chromosomes, predominantly at a frequency of 0.00014 within the Non-Finnish European subpopulation in the gnomAD v4 database. The observed variant frequency within Non-Finnish European control individuals in the gnomAD database is approximately 5 fold of the estimated maximal expected allele frequency for a pathogenic variant in CDH1 causing Hereditary Diffuse Gastric Cancer phenotype (2.8e-05). c.164T>G has been reported in the literature in individuals affected with colon cancer, breast cancer cases and controls and recurrent pregnancy loss (Yurgelun_2017, DeRycke_2017, Quintero-Ronderos_2017, Dorling_2021). These reports do not provide unequivocal conclusions about association of the variant with Hereditary Diffuse Gastric Cancer. To our knowledge, no experimental evidence demonstrating an impact on protein function has been reported. The following publications have been ascertained in the context of this evaluation (PMID: 28944238, 33471991, 31642931, 29016666, 28135145). ClinVar contains an entry for this variant (Variation ID: 132769). Based on the evidence outlined above, the variant was classified as likely benign.

Department of Pathology and Laboratory Medicine, Sinai Health System
Classification: Likely benign for CDH1-related diffuse gastric and lobular breast cancer syndrome. Last evaluated: 2024-07-29. Review status: criteria provided, single submitter. Criteria: ACMG Guidelines, 2015. Collection method: clinical testing. Allele origin: germline. Not counted in ClinVar's aggregate classification.

Quest Diagnostics Nichols Institute San Juan Capistrano
Classification: Uncertain significance. Last evaluated: 2024-02-23. Review status: criteria provided, single submitter. Criteria: Quest Diagnostics criteria. Collection method: clinical testing. Allele origin: unknown. Not counted in ClinVar's aggregate classification.
Comment: The CDH1 c.164T>G (p.Val55Gly) variant has been reported in the published literature in individuals with colorectal cancer (PMIDs: 28944238 (2017), 28135145 (2017)) and breast cancer (PMID:24969172 (2014)), as well as in one family with a history of both gastric cancer and breast cancer (PMID: 36436516 (2023)). Additionally, this variant was seen in a cohort of reportedly healthy individuals (PMID: 24728327 (2014)). The frequency of this variant in the general population, 0.000054 (7/129106 chromosomes (Genome Aggregation Database)), is uninformative in the assessment of its pathogenicity. Analysis of this variant using bioinformatics tools for the prediction of the effect of amino acid changes on protein structure and function yielded predictions that this variant is damaging. Based on the available information, we are unable to determine the clinical significance of this variant.

CHEO Genetics Diagnostic Laboratory, Children's Hospital of Eastern Ontario
Classification: Uncertain significance for Breast and/or ovarian cancer. Last evaluated: 2023-04-25. Review status: criteria provided, single submitter. Criteria: ACMG Guidelines, 2015. Collection method: clinical testing. Allele origin: germline. Not counted in ClinVar's aggregate classification.

Myriad Genetics, Inc.
Classification: Uncertain significance for Hereditary diffuse gastric adenocarcinoma. Last evaluated: 2023-03-06. Review status: criteria provided, single submitter. Criteria: Myriad Autosomal Dominant, Autosomal Recessive and X-Linked Classification Criteria (2023). Collection method: clinical testing. Allele origin: unknown. Not counted in ClinVar's aggregate classification.
Comment: This variant is classified as a variant of uncertain significance as there is insufficient evidence to determine its impact on protein function and/or cancer risk.

GeneDx
Classification: Likely benign. Last evaluated: 2022-09-01. Review status: criteria provided, single submitter. Criteria: GeneDx Variant Classification Process June 2021. Collection method: clinical testing. Allele origin: germline. Affected: yes. Not counted in ClinVar's aggregate classification.
Comment: See Variant Classification Assertion Criteria.

European Reference Network on Genetic Tumour Risk Syndromes (ERN-GENTURIS), i3s - Instituto de Investigação e Inovação em Saúde, University of Porto
Classification: Likely benign for Hereditary diffuse gastric adenocarcinoma. Last evaluated: 2022-08-01. Review status: criteria provided, single submitter. Criteria: Lee et al. (Hum Mutat. 2018). Collection method: clinical testing. Allele origin: germline. Inheritance: Autosomal dominant inheritance. Affected: no. Study: ERN GENTURIS. Not counted in ClinVar's aggregate classification.
Comment: BS2 (PMID: 30311375)

Sema4
Classification: Uncertain significance for Hereditary cancer-predisposing syndrome. Last evaluated: 2022-01-12. Review status: criteria provided, single submitter. Criteria: Sema4 Curation Guidelines. Collection method: curation. Allele origin: germline. Not counted in ClinVar's aggregate classification.
Comment: The CDH1 c.164T>G (p.V55G) variant has been reported in heterozygosity in at least 5 individuals with hereditary diffuse gastric cancer syndrome, colorectal cancer, breast cancer and recurrent pregnancy loss (PMID: 31511843, 28135145, 29016666, 24969172, 28944238), but has also been found in healthy controls (PMID: 24728327). It has been reported in 11/60466 cases and 14/53461 controls in a large case-control study of breast cancer (PMID: 33471991). It was observed in 7/129106 chromosomes in the Non-Finnish European (NFE) subpopulation according to the Genome Aggregation Database (PMID: 32461654). This variant has been reported in ClinVar (Variation ID: 132769). Functional studies have not been performed, and in silico predictions of the variant's effect on protein function are inconclusive. The evidence is insufficient to meet ACMG/AMP criteria for classifying the variant as benign or pathogenic. Thus, the clinical significance of this variant is currently uncertain.

Genetic Services Laboratory, University of Chicago
Classification: Uncertain significance. Last evaluated: 2019-12-05. Review status: criteria provided, single submitter. Criteria: ACMG Guidelines, 2015. Collection method: clinical testing. Allele origin: germline. Affected: no. Not counted in ClinVar's aggregate classification.

Ambry Genetics
Classification: Likely benign for Hereditary cancer-predisposing syndrome. Last evaluated: 2018-10-29. Review status: criteria provided, single submitter. Criteria: Ambry Variant Classification Scheme 2023. Collection method: clinical testing. Allele origin: germline. Not counted in ClinVar's aggregate classification.

Counsyl
Classification: Uncertain significance for Hereditary diffuse gastric adenocarcinoma. Last evaluated: 2017-05-19. Review status: no assertion criteria provided. Collection method: clinical testing. Allele origin: unknown. Not counted in ClinVar's aggregate classification.

ITMI
No classification provided. Condition: AllHighlyPenetrant. Last evaluated: 2013-09-19. Review status: no classification provided. Collection method: reference population. Allele origin: germline. Not counted in ClinVar's aggregate classification.
Comment: Please see associated publication for description of ethnicities

Literature cited by the submitters: PubMed 28135145 (cited by 5 submitters); PubMed 28944238 (cited by 4 submitters); PubMed 29016666 (cited by 5 submitters); PubMed 31642931 (cited by 3 submitters); PubMed 33471991 (cited by 3 submitters); PubMed 24969172 (cited by 5 submitters); PubMed 36436516 (cited by 3 submitters); PubMed 24728327 (cited by 5 submitters); PubMed 28699883 (cited by Quest Diagnostics Nichols Institute San Juan Capistrano); PubMed 35739269 (cited by Quest Diagnostics Nichols Institute San Juan Capistrano); PubMed 31511843 (cited by Sema4).